The following is an entry in ClinVar:

GRCh38/hg38 10q26.13-26.3(chr10:123035461-133770944)x1

Genes: DOCK1-AS1 (DOCK1 antisense RNA 1; minus strand), DPYSL4 (dihydropyrimidinase like 4; plus strand), EBF3 (EBF transcription factor 3; minus strand), EBF3-AS1 (EBF3 antisense RNA 1; plus strand), ECHS1 (enoyl-CoA hydratase, short chain 1; minus strand) and 354 more. Cytogenetic location: 10q26.13-26.3.
Variant type: copy number loss.
Change: copy number 1 (one copy instead of two) of chr10:123,035,461-133,770,944 (10.74 Mb, GRCh38 coordinates, 1-based), cytogenetic band 10q26.13-26.3.
Identifiers: ClinVar variation 4974717 (VCV004974717.1).

ClinVar aggregate classification (germline): Pathogenic (1 of 4 stars; one submission).

Submission:

Clinical Genomics Laboratory, Laboratory for Precision Diagnostics, University of Washington
Classification: Pathogenic. Last evaluated: 2024-09-20. Review status: criteria provided, single submitter. Criteria: ACMG/ClinGen CNV Guidelines, 2019. Collection method: clinical testing. Allele origin: unknown. Affected: yes. Observed: 1 variant allele.
Comment: This terminal deletion is approximately 10.7 Mb in size and contains at least 65 protein-coding genes, including EBF3. Heterozygous loss-of-function variants in EBF3 cause a neurodevelopmental condition associated with developmental delay, intellectual disability, speech delay, low muscle tone, an abnormal gait or difficulty walking, distinctive facial features, and behavioral problems. Terminal 10qter deletions have been reported in the literature and are associated with clinically heterogeneous symptoms (PMID: 34256807).

Literature cited by the submitters: PubMed 34256807.